The following is an entry in ClinVar:

NM_000528.4(MAN2B1):c.495C>A (p.Tyr165Ter)

Gene: MAN2B1 (mannosidase alpha class 2B member 1; minus strand). Cytogenetic location: 19p13.13.
Variant type: single nucleotide variant.
Coding change: c.495C>A on transcript NM_000528.4 (MANE Select); coding-DNA position 495, C replaced by A.
Protein change: p.Tyr165Ter; replaces tyrosine 165 with a stop codon.
Molecular consequence: nonsense.
Genome position (GRCh38, 1-based): chr19:12,664,927, G>T on the plus strand (C>A on the coding strand, the complement: MAN2B1 is on the minus strand). VCF-style: chr19-12664927-G-T. GRCh37 (hg19) VCF-style: chr19-12775741-G-T.
Other names: c.495C>A, p.Tyr165Ter (NM_001173498.2); short protein forms Y165*.
Identifiers: ClinVar variation 984244 (VCV000984244.8), dbSNP rs771479314, ClinGen allele CA404255126.

ClinVar aggregate classification (germline): Pathogenic/Likely pathogenic. Review status: criteria provided, multiple submitters, no conflicts (2 of 4 stars). 2 submissions from 2 submitters: Pathogenic (1); Likely pathogenic (1). Last evaluated 2021-07-28.

Conditions:
Deficiency of alpha-mannosidase (MANSA). Also called: Mannosidosis, alpha-, types I and II; Alpha-Mannosidosis; LYSOSOMAL ALPHA-D-MANNOSIDASE DEFICIENCY. Identifiers: Orphanet 61, MedGen C0024748, MONDO:0009561, OMIM 248500.

Submissions (2):

Labcorp Genetics (formerly Invitae), Labcorp
Classification: Pathogenic for Deficiency of alpha-mannosidase. Last evaluated: 2021-07-28. Review status: criteria provided, single submitter. Criteria: Invitae Variant Classification Sherloc (09022015). Collection method: clinical testing. Allele origin: germline.
Comment: This sequence change creates a premature translational stop signal (p.Tyr165*) in the MAN2B1 gene. It is expected to result in an absent or disrupted protein product. Loss-of-function variants in MAN2B1 are known to be pathogenic (PMID: 9915946, 22161967). This variant is not present in population databases (ExAC no frequency). This variant has not been reported in the literature in individuals affected with MAN2B1-related conditions. ClinVar contains an entry for this variant (Variation ID: 984244). For these reasons, this variant has been classified as Pathogenic.

Myriad Genetics, Inc.
Classification: Likely pathogenic for Deficiency of alpha-mannosidase. Last evaluated: 2020-03-29. Review status: criteria provided, single submitter. Criteria: Myriad Women's Health Autosomal Recessive and X-Linked Classification Criteria (2019). Collection method: clinical testing. Allele origin: unknown.
Comment: NM_000528.3(MAN2B1):c.495C>A(Y165*) is expected to be pathogenic in the context of alpha-mannosidosis. This variant is predicted to lead to an abnormal or absent protein product due to the creation of a premature termination codon in MAN2B1, a gene where loss-of-function variants are known to be pathogenic. Please note: this variant was assessed in the context of healthy population screening.

Literature cited by the submitters: PubMed 9915946 (cited by Labcorp Genetics (formerly Invitae), Labcorp); PubMed 22161967 (cited by Labcorp Genetics (formerly Invitae), Labcorp).